The following is an entry in ClinVar:

ClinVar aggregate classification (germline): Uncertain significance. Review status: criteria provided, multiple submitters, no conflicts (2 of 4 stars). 3 submissions from 3 submitters: Uncertain significance (3). Last evaluated 2025-12-03.

Allele frequency attached by ClinVar (database versions not stated): 1000 Genomes Project 0.00020; TOPMed 0.00008; 1000 Genomes Project 30x 0.00016; gnomAD 0.00004 and 0.00007.
gnomAD v4.1: 84 of 1,614,038 alleles (0.0052%); highest among the groups gnomAD compares: East Asian, 0.069%; 1 homozygote.

Submissions (3):

GeneDx
Classification: Uncertain significance. Last evaluated: 2025-12-03. Review status: criteria provided, single submitter. Criteria: GeneDx Variant Classification Process June 2021. Collection method: clinical testing. Allele origin: germline.
Comment: Listed as a variant identified in a cohort of individuals with hearing loss in published literature (PMID: 23767834); proband clinical and segregation information not provided; In silico analysis suggests that this missense variant does not alter protein structure/function; This variant is associated with the following publications: (PMID: 23767834)

Labcorp Genetics (formerly Invitae), Labcorp
Classification: Uncertain significance. Last evaluated: 2025-04-17. Review status: criteria provided, single submitter. Criteria: Invitae Variant Classification Sherloc (09022015). Collection method: clinical testing. Allele origin: germline.
Comment: This sequence change replaces alanine, which is neutral and non-polar, with glycine, which is neutral and non-polar, at codon 28 of the GRHL2 protein (p.Ala28Gly). This variant is present in population databases (rs561693958, gnomAD 0.1%). This variant has not been reported in the literature in individuals affected with GRHL2-related conditions. ClinVar contains an entry for this variant (Variation ID: 505366). An algorithm developed to predict the effect of missense changes on protein structure and function (PolyPhen-2) suggests that this variant is likely to be tolerated. In summary, the available evidence is currently insufficient to determine the role of this variant in disease. Therefore, it has been classified as a Variant of Uncertain Significance.

Laboratory for Molecular Medicine, Mass General Brigham Personalized Medicine
Classification: Uncertain significance. Last evaluated: 2016-11-01. Review status: criteria provided, single submitter. Criteria: LMM Criteria. Collection method: clinical testing. Allele origin: germline. Observed: 1 variant allele.
Comment: The p.Ala28Gly variant in GRHL2 has not been previously reported in individuals with hearing loss, but has been identified in 0.1% (7/8652) of East Asian chromo somes by the Exome Aggregation Consortium (ExAC; dbSNP rs561693958). However, this frequency in the general population is not hi gh enough to rule out a pathogenic role. Computational prediction tools and cons ervation analyses suggest that this variant may not impact the protein, though t his information is not predictive enough to rule out pathogenicity. In summary, the clinical significance of the p.Ala28Gly variant is uncertain.

NM_024915.4(GRHL2):c.83C>G (p.Ala28Gly)

Gene: GRHL2 (grainyhead like transcription factor 2; plus strand). Cytogenetic location: 8q22.3.
Variant type: single nucleotide variant.
Coding change: c.83C>G on transcript NM_024915.4 (MANE Select); coding-DNA position 83, C replaced by G.
Protein change: p.Ala28Gly; replaces alanine 28 with glycine.
Molecular consequence: missense variant.
Genome position (GRCh38, 1-based): chr8:101,543,303, C>G. VCF-style: chr8-101543303-C-G. GRCh37 (hg19) VCF-style: chr8-102555531-C-G.
Other names: c.35C>G, p.Ala12Gly (NM_001330593.2); short protein forms A28G, A12G.
Identifiers: ClinVar variation 505366 (VCV000505366.14), dbSNP rs561693958, ClinGen allele CA4830215.